The following is an entry in ClinVar:

NM_181507.2(HPS5):c.547G>A (p.Asp183Asn)

Gene: HPS5 (HPS5 biogenesis of lysosomal organelles complex 2 subunit 2; minus strand). Cytogenetic location: 11p15.1.
Variant type: single nucleotide variant.
Coding change: c.547G>A on transcript NM_181507.2 (MANE Select); coding-DNA position 547, G replaced by A.
Protein change: p.Asp183Asn; replaces aspartic acid 183 with asparagine.
Molecular consequence: missense variant.
Genome position (GRCh38, 1-based): chr11:18,309,010, C>T on the plus strand (G>A on the coding strand, the complement: HPS5 is on the minus strand). VCF-style: chr11-18309010-C-T. GRCh37 (hg19) VCF-style: chr11-18330557-C-T.
Other names: c.205G>A, p.Asp69Asn (NM_007216.4, NM_181508.2); short protein forms D183N, D69N.
Identifiers: ClinVar variation 1447564 (VCV001447564.3), dbSNP rs139351124, ClinGen allele CA5910402.

ClinVar aggregate classification (germline): Uncertain significance (1 of 4 stars; one submission).

Allele frequency attached by ClinVar (database versions not stated): gnomAD exomes below 0.00001 and 0.00002; gnomAD 0.00003 and 0.00004; ExAC 0.00004; TOPMed 0.00005; ESP Exome Variant Server 0.00015.
gnomAD v4.1: 9 of 1,613,740 alleles (0.00056%); highest among the groups gnomAD compares: African/African-American, 0.011%; no homozygotes.

Submission:

Labcorp Genetics (formerly Invitae), Labcorp
Classification: Uncertain significance. Last evaluated: 2021-08-12. Review status: criteria provided, single submitter. Criteria: Invitae Variant Classification Sherloc (09022015). Collection method: clinical testing. Allele origin: germline.
Comment: This sequence change replaces aspartic acid with asparagine at codon 183 of the HPS5 protein (p.Asp183Asn). The aspartic acid residue is moderately conserved and there is a small physicochemical difference between aspartic acid and asparagine. This variant is present in population databases (rs139351124, ExAC 0.05%). This variant has not been reported in the literature in individuals affected with HPS5-related conditions. Algorithms developed to predict the effect of missense changes on protein structure and function are either unavailable or do not agree on the potential impact of this missense change (SIFT: "Tolerated"; PolyPhen-2: "Probably Damaging"; Align-GVGD: "Class C0"). In summary, the available evidence is currently insufficient to determine the role of this variant in disease. Therefore, it has been classified as a Variant of Uncertain Significance.